The following is an entry in ClinVar:

ClinVar aggregate classification (germline): Likely pathogenic. Review status: criteria provided, multiple submitters, no conflicts (2 of 4 stars). 2 submissions from 2 submitters: Likely pathogenic (2). Last evaluated 2024-07-02.

Conditions:
Familial thoracic aortic aneurysm and aortic dissection (TAAD). Also called: Thoracic aortic aneurysms and dissections. Identifiers: Orphanet 91387, MedGen C4707243, MONDO:0019625.
Familial aortopathy. Identifiers: MedGen CN078214.

Submissions (2):

Labcorp Genetics (formerly Invitae), Labcorp
Classification: Likely pathogenic for Familial thoracic aortic aneurysm and aortic dissection. Last evaluated: 2024-07-02. Review status: criteria provided, single submitter. Criteria: Invitae Variant Classification Sherloc (09022015). Collection method: clinical testing. Allele origin: germline.
Comment: This sequence change affects a donor splice site in intron 5 of the SMAD3 gene. It is expected to disrupt RNA splicing. Variants that disrupt the donor or acceptor splice site typically lead to a loss of protein function (PMID: 16199547), and loss-of-function variants in SMAD3 are known to be pathogenic (PMID: 21778426, 24804794). This variant is not present in population databases (gnomAD no frequency). This variant has not been reported in the literature in individuals affected with SMAD3-related conditions. Algorithms developed to predict the effect of sequence changes on RNA splicing suggest that this variant may disrupt the consensus splice site. In summary, the currently available evidence indicates that the variant is pathogenic, but additional data are needed to prove that conclusively. Therefore, this variant has been classified as Likely Pathogenic.

Women's Health and Genetics/Laboratory Corporation of America, LabCorp
Classification: Likely pathogenic for Familial aortopathy. Last evaluated: 2024-02-05. Review status: criteria provided, single submitter. Criteria: LabCorp Variant Classification Summary - May 2015. Collection method: clinical testing. Allele origin: germline.
Comment: Variant summary: SMAD3 c.658+1G>A is located in a canonical splice-site and is predicted to affect mRNA splicing resulting in a significantly altered protein due to either exon skipping, shortening, or inclusion of intronic material. Several computational tools predict a significant impact on normal splicing: Four predict the variant abolishes a canonical 5' splicing donor site. However, these predictions have yet to be confirmed by functional studies. The variant was absent in 251302 control chromosomes (gnomAD). To our knowledge, no occurrence of c.658+1G>A in individuals affected with Aortopathy and no experimental evidence demonstrating its impact on protein function have been reported. No submitters have cited clinical-significance assessments for this variant to ClinVar. Based on the evidence outlined above, the variant was classified as likely pathogenic.

Literature cited by the submitters: PubMed 16199547 (cited by Labcorp Genetics (formerly Invitae), Labcorp); PubMed 21778426 (cited by Labcorp Genetics (formerly Invitae), Labcorp); PubMed 24804794 (cited by Labcorp Genetics (formerly Invitae), Labcorp).

NM_005902.4(SMAD3):c.658+1G>A

Gene: SMAD3 (SMAD family member 3; plus strand). Cytogenetic location: 15q22.33.
Variant type: single nucleotide variant.
Coding change: c.658+1G>A on transcript NM_005902.4 (MANE Select); the canonical splice donor site of the intron after coding-DNA position 658, G replaced by A.
Molecular consequence: splice donor variant.
Genome position (GRCh38, 1-based): chr15:67,170,605, G>A. VCF-style: chr15-67170605-G-A. GRCh37 (hg19) VCF-style: chr15-67462943-G-A.
Other names: c.658+1G>A (NM_001407011.1, NM_001407013.1); c.526+1G>A (NM_001407012.1, NM_001145103.2); c.511+1G>A (NM_001407014.1); c.343+1G>A (NM_001145102.2, NM_001407016.1); c.211+1G>A (NM_001407015.1); c.73+1G>A (NM_001145104.2, NM_001407017.1).
Identifiers: ClinVar variation 3069051 (VCV003069051.4), dbSNP rs2140301211, ClinGen allele CA392955094.